The following is an entry in ClinVar:

NM_000330.4(RS1):c.184+3207C>T

Genes: CDKL5 (cyclin dependent kinase like 5; plus strand), RS1 (retinoschisin 1; minus strand). Cytogenetic location: Xp22.13.
Variant type: single nucleotide variant.
Coding change: c.184+3207C>T on transcript NM_000330.4 (MANE Select); 3207 bases into the intron after coding-DNA position 184, C replaced by T.
Molecular consequence: intron variant. On other transcripts: missense variant (2).
Genome position (GRCh38, 1-based): chrX:18,653,446, G>A on the plus strand (C>T on the coding strand, the complement: RS1 is on the minus strand). VCF-style: chrX-18653446-G-A. GRCh37 (hg19) VCF-style: chrX-18671566-G-A.
Other names: p.V999M:GTG>ATG; c.2995G>A, p.Val999Met (NM_001037343.2, NM_003159.3); short protein forms V999M.
Identifiers: ClinVar variation 94110 (VCV000094110.30), dbSNP rs35693326, ClinGen allele CA213360.

ClinVar aggregate classification (germline): Benign. Review status: criteria provided, multiple submitters, no conflicts (2 of 4 stars). 16 submissions from 16 submitters: Benign (11). 5 of the submissions do not count toward it. Last evaluated 2026-02-03.

Conditions:
CDKL5 disorder. Identifiers: MedGen CN296942, MONDO:0100039.
History of neurodevelopmental disorder. Identifiers: MedGen C2711754.
West syndrome. Also called: Infantile epileptic spasms syndrome. Identifiers: Orphanet 3451, Orphanet 697160, MedGen C0037769, MONDO:0018097. Disease mechanism: loss of function.
Angelman syndrome-like. Identifiers: MedGen CN128785.
Developmental and epileptic encephalopathy, 2 (DEE2). Also called: CDKL5 deficiency disorder; INFANTILE SPASM SYNDROME, X-LINKED 2. Identifiers: Orphanet 1934, Orphanet 3451, Orphanet 505652, MedGen C4750718, MONDO:0010396, OMIM 300672.

Allele frequency attached by ClinVar (database versions not stated): gnomAD 0.02951; 1000 Genomes Project 30x 0.03496; ESP Exome Variant Server 0.03881; TOPMed 0.03213; 1000 Genomes Project 0.03391.
gnomAD v4.1: 6,829 of 1,209,251 alleles (0.56%); highest among the groups gnomAD compares: African/African-American, 10%; 257 homozygotes.

Submissions (20):

Labcorp Genetics (formerly Invitae), Labcorp
Classification: Benign for Developmental and epileptic encephalopathy, 2; Angelman syndrome-like. Last evaluated: 2026-02-03. Review status: criteria provided, single submitter. Criteria: Invitae Variant Classification Sherloc (09022015). Collection method: clinical testing. Allele origin: germline.

Centre for Population Genomics, CPG
Classification: Benign for CDKL5 disorder. Last evaluated: 2024-09-20. Review status: criteria provided, single submitter. Criteria: McKnight et al. (Hum Mutat. 2022). Collection method: curation. Allele origin: germline. Inheritance: X-linked inheritance.
Comment: This variant has been collected from RettBASE and curated to current modified ACMG/AMP criteria. Based on the classification scheme defined by the ClinGen Rett/Angelman-like Expert Panel for Rett/AS-like Disorders Specifications to the ACMG/AMP Variant Interpretation Guidelines VCEP 3.0, this variant is classified as benign. At least the following criteria are met: The allele frequency of this variant in at least one population in gnomAD is higher than the 0.03% threshold defined by the ClinGen Rett/Angelman-like Expert Panel for Rett/AS-like Disorders VCEP 3.0 (BA1).

Ambry Genetics
Classification: Benign for History of neurodevelopmental disorder. Last evaluated: 2019-09-13. Review status: criteria provided, single submitter. Criteria: Ambry Autosomal Dominant and X-Linked criteria (3/2017). Collection method: clinical testing. Allele origin: germline. Observed: 1 variant allele.
Comment: General population or subpopulation frequency is too high to be a pathogenic mutation based on disease/syndrome prevalence and penetrance

Mayo Clinic Laboratories, Mayo Clinic
Classification: Benign. Last evaluated: 2019-03-20. Review status: criteria provided, single submitter. Criteria: ACMG Guidelines, 2015. Collection method: clinical testing. Allele origin: germline. Observed: 6 variant alleles.

Center for Human Genetics, Inc
Classification: Benign for West syndrome. Last evaluated: 2016-11-01. Review status: criteria provided, single submitter. Criteria: ACMG Guidelines, 2015. Collection method: clinical testing. Allele origin: germline. Affected: yes.

Center for Pediatric Genomic Medicine, Children's Mercy Hospital and Clinics
Classification: Benign. Last evaluated: 2016-01-11. Review status: criteria provided, single submitter. Criteria: ACMG Guidelines, 2015. Collection method: clinical testing. Allele origin: germline.

Eurofins Ntd Llc (ga)
Classification: Benign. Last evaluated: 2014-12-05. Review status: criteria provided, single submitter. Criteria: EGL Classification Definitions 2015. Collection method: clinical testing. Allele origin: germline. Observed: 5 variant alleles, 4 heterozygotes, 1 hemizygote.

Genetic Services Laboratory, University of Chicago
Classification: Benign. Last evaluated: 2013-02-08. Review status: criteria provided, single submitter. Criteria: ACMG Guidelines, 2007. Collection method: clinical testing. Allele origin: germline. Inheritance: X-linked inheritance.

GeneDx
Classification: Benign. Last evaluated: 2012-06-05. Review status: criteria provided, single submitter. Criteria: GeneDx Variant Classification (06012015). Collection method: clinical testing. Allele origin: germline. Affected: yes.
Comment: This variant is considered likely benign or benign based on one or more of the following criteria: it is a conservative change, it occurs at a poorly conserved position in the protein, it is predicted to be benign by multiple in silico algorithms, and/or has population frequency not consistent with disease.

Breakthrough Genomics
Classification: Benign. Review status: criteria provided, single submitter. Criteria: ACMG Guidelines, 2015. Collection method: not provided. Allele origin: germline. Inheritance: X-linked inheritance. Affected: yes.

PreventionGenetics, part of Exact Sciences
Classification: Benign. Review status: criteria provided, single submitter. Criteria: ACMG Guidelines, 2015. Collection method: clinical testing. Allele origin: germline.

Genomic Diagnostic Laboratory, Division of Genomic Diagnostics, Children's Hospital of Philadelphia
Classification: Benign. Last evaluated: 2015-02-13. Review status: no assertion criteria provided. Collection method: clinical testing. Allele origin: germline. Not counted in ClinVar's aggregate classification.

RettBASE
Classification: Benign. Last evaluated: 2014-05-09. Review status: no assertion criteria provided. Collection method: curation. Allele origin: maternal, unknown. Observed: 6 variant alleles. Not counted in ClinVar's aggregate classification.
Comment: In silico prediction: SIFT = tolerated, MutationTaster = polymorphism, PolyPhen2 = benign, AlignGVGD = benign (C0)

Clinical Genetics DNA and cytogenetics Diagnostics Lab, Erasmus MC, Erasmus Medical Center
Classification: Benign. Review status: no assertion criteria provided. Collection method: clinical testing. Allele origin: germline. Affected: yes. Study: VKGL Data-share Consensus. Not counted in ClinVar's aggregate classification.

Dr. Peter K. Rogan Lab, Western University
No classification provided (evidence only). Condition: Clear cell carcinoma of kidney. Review status: no classification provided. Collection method: in vitro. Allele origin: not applicable. Functional consequence: retained intron. Not counted in ClinVar's aggregate classification.

Dr. Peter K. Rogan Lab, Western University
No classification provided (evidence only). Condition: Thyroid cancer, nonmedullary, 1. Review status: no classification provided. Collection method: in vitro. Allele origin: not applicable. Functional consequence: retained intron. Not counted in ClinVar's aggregate classification.

Dr. Peter K. Rogan Lab, Western University
No classification provided (evidence only). Condition: Uterine corpus endometrial carcinoma. Review status: no classification provided. Collection method: in vitro. Allele origin: not applicable. Functional consequence: retained intron. Not counted in ClinVar's aggregate classification.

Dr. Peter K. Rogan Lab, Western University
No classification provided (evidence only). Condition: Sarcoma. Review status: no classification provided. Collection method: in vitro. Allele origin: not applicable. Functional consequence: retained intron. Not counted in ClinVar's aggregate classification.

Genome Diagnostics Laboratory, University Medical Center Utrecht
Classification: Benign. Review status: no assertion criteria provided. Collection method: clinical testing. Allele origin: germline. Affected: yes. Study: VKGL Data-share Consensus. Not counted in ClinVar's aggregate classification.

Laboratory of Diagnostic Genome Analysis, Leiden University Medical Center (LUMC)
Classification: Benign. Review status: no assertion criteria provided. Collection method: clinical testing. Allele origin: germline. Affected: yes. Study: VKGL Data-share Consensus. Not counted in ClinVar's aggregate classification.

Literature cited by the submitters: PubMed 16813600 (cited by RettBASE); PubMed 21775177 (cited by RettBASE); PubMed 22867051 (cited by RettBASE).